The following is an entry in ClinVar:

NM_016616.5(NME8):c.679G>A (p.Val227Ile)

Gene: NME8 (NME/NM23 family member 8; plus strand). Cytogenetic location: 7p14.1.
Variant type: single nucleotide variant.
Coding change: c.679G>A on transcript NM_016616.5 (MANE Select); coding-DNA position 679, G replaced by A.
Protein change: p.Val227Ile; replaces valine 227 with isoleucine.
Molecular consequence: missense variant.
Genome position (GRCh38, 1-based): chr7:37,867,759, G>A. VCF-style: chr7-37867759-G-A. GRCh37 (hg19) VCF-style: chr7-37907361-G-A.
Other names: short protein forms V227I.
Identifiers: ClinVar variation 1061153 (VCV001061153.9), dbSNP rs367666545, ClinGen allele CA4222304.
Genomic context (GRCh38, chr7:37,867,759, plus strand): 5'-TAGTGTGACTTCGAAGAGTTTGTCTCTTTTATGACAAGTGGCTTAAGCTATATTCTAGTT[G>A]TATCTCAAGGAAGTAAACACAATCCTCCCTCTGAAGAAACCGAACCACAGACTGACACCG-3'
Protein context (NP_057700.3, residues 217-237): MTSGLSYILV[Val227Ile]SQGSKHNPPS

ClinVar aggregate classification (germline): Uncertain significance (1 of 4 stars; one submission).

Conditions:
Primary ciliary dyskinesia 6. Also called: Primary Ciliary Dyskinesia 6: TXNDC3-Related Primary Ciliary Dyskinesia. Identifiers: Orphanet 244, MedGen C1970506, MONDO:0012571, OMIM 610852.

Allele frequency attached by ClinVar (database versions not stated): ExAC 0.00001; gnomAD exomes 0.00001 and 0.00002; gnomAD 0.00006; ESP Exome Variant Server 0.00008; TOPMed 0.00009.
gnomAD v4.1: 26 of 1,613,576 alleles (0.0016%); highest among the groups gnomAD compares: African/African-American, 0.035%; no homozygotes.

Submission:

Labcorp Genetics (formerly Invitae), Labcorp
Classification: Uncertain significance for Primary ciliary dyskinesia 6. Last evaluated: 2026-01-12. Review status: criteria provided, single submitter. Criteria: Invitae Variant Classification Sherloc (09022015). Collection method: clinical testing. Allele origin: germline.
Comment: This sequence change replaces valine, which is neutral and non-polar, with isoleucine, which is neutral and non-polar, at codon 227 of the NME8 protein (p.Val227Ile). This variant is present in population databases (rs367666545, gnomAD 0.03%). This variant has not been reported in the literature in individuals affected with NME8-related conditions. ClinVar contains an entry for this variant (Variation ID: 1061153). Invitae Evidence Modeling of protein sequence and biophysical properties (such as structural, functional, and spatial information, amino acid conservation, physicochemical variation, residue mobility, and thermodynamic stability) indicates that this missense variant is not expected to disrupt NME8 protein function with a negative predictive value of 80%. In summary, the available evidence is currently insufficient to determine the role of this variant in disease. Therefore, it has been classified as a Variant of Uncertain Significance.